The following is an entry in ClinVar:

NM_000368.5(TSC1):c.1715G>A (p.Cys572Tyr)

Gene: TSC1 (TSC complex subunit 1; minus strand). Cytogenetic location: 9q34.13.
Variant type: single nucleotide variant.
Coding change: c.1715G>A on transcript NM_000368.5 (MANE Select); coding-DNA position 1715, G replaced by A.
Protein change: p.Cys572Tyr; replaces cysteine 572 with tyrosine.
Molecular consequence: missense variant. On other transcripts: non-coding transcript variant (5).
Genome position (GRCh38, 1-based): chr9:132,905,863, C>T on the plus strand (G>A on the coding strand, the complement: TSC1 is on the minus strand). VCF-style: chr9-132905863-C-T. GRCh37 (hg19) VCF-style: chr9-135781250-C-T.
Other names: c.1712G>A, p.Cys571Tyr (NM_001162426.2, NM_001406597.1, NM_001406598.1 and 6 more transcripts); c.1562G>A, p.Cys521Tyr (NM_001162427.2, NM_001406610.1); c.1352G>A, p.Cys451Tyr (NM_001362177.2, NM_001406614.1, NM_001406615.1 and 5 more transcripts); c.1715G>A, p.Cys572Tyr (NM_001406592.1, NM_001406593.1, NM_001406594.1 and 7 more transcripts); c.1559G>A, p.Cys520Tyr (NM_001406611.1, NM_001406612.1, NM_001406613.1); c.1349G>A, p.Cys450Tyr (NM_001406620.1, NM_001406621.1, NM_001406622.1 and 2 more transcripts); c.764G>A, p.Cys255Tyr (NM_001406626.1); c.761G>A, p.Cys254Tyr (NM_001406627.1, NM_001406628.1); and 1 more; short protein forms C255Y, C520Y, C451Y, C521Y, C221Y, C254Y, C571Y, C450Y.
Identifiers: ClinVar variation 3653070 (VCV003653070.2).

ClinVar aggregate classification (germline): Uncertain significance (1 of 4 stars; one submission).

Conditions:
Tuberous sclerosis 1 (TSC1). Identifiers: Orphanet 805, MedGen C1854465, MONDO:0008612, OMIM 191100.

Submission:

Labcorp Genetics (formerly Invitae), Labcorp
Classification: Uncertain significance for Tuberous sclerosis 1. Last evaluated: 2024-05-12. Review status: criteria provided, single submitter. Criteria: Invitae Variant Classification Sherloc (09022015). Collection method: clinical testing. Allele origin: germline.
Comment: This sequence change replaces cysteine, which is neutral and slightly polar, with tyrosine, which is neutral and polar, at codon 572 of the TSC1 protein (p.Cys572Tyr). This variant is not present in population databases (gnomAD no frequency). This variant has not been reported in the literature in individuals affected with TSC1-related conditions. An algorithm developed to predict the effect of missense changes on protein structure and function (PolyPhen-2) suggests that this variant is likely to be tolerated. In summary, the available evidence is currently insufficient to determine the role of this variant in disease. Therefore, it has been classified as a Variant of Uncertain Significance.